The following is an entry in ClinVar:

NM_002335.4(LRP5):c.2737dup (p.Cys913fs)

Gene: LRP5 (LDL receptor related protein 5; plus strand). Cytogenetic location: 11q13.2.
Variant type: Duplication.
Coding change: c.2737dup on transcript NM_002335.4 (MANE Select); coding-DNA position 2737, one base duplicated (T; older notation c.2737dupT).
Protein change: p.Cys913fs; shifts the reading frame from cysteine 913.
Molecular consequence: frameshift variant.
Genome position (GRCh38, 1-based): chr11:68,413,922, T duplicated. VCF-style (leftmost placement, unchanged base first): chr11-68413921-G-GT. GRCh37 (hg19) VCF-style: chr11-68181389-G-GT.
Other names: c.994dup, p.Cys332fs (NM_001291902.2); c.2737dup (NM_002335.2); c.2737dupT (NM_002335.3); short protein forms C332fs, C913fs.
Identifiers: ClinVar variation 287187 (VCV000287187.20), dbSNP rs886043590, ClinGen allele CA10605695.

ClinVar aggregate classification (germline): Pathogenic. Review status: criteria provided, multiple submitters, no conflicts (2 of 4 stars). 8 submissions from 8 submitters: Pathogenic (8). Last evaluated 2025-07-03.

Conditions:
Polycystic liver disease 4 with or without kidney cysts. Identifiers: MedGen C4693479, MONDO:0044327, OMIM 617875.
Osteoporosis with pseudoglioma (OPPG). Also called: osteoporosis-pseudoglioma syndrome. Identifiers: Orphanet 2788, MedGen C0432252, MONDO:0009820, OMIM 259770.
Worth disease. Also called: OSTEOSCLEROSIS, AUTOSOMAL DOMINANT; ENDOSTEAL HYPEROSTOSIS, AUTOSOMAL DOMINANT; Autosomal dominant osteosclerosis, Worth type. Identifiers: Orphanet 2790, MedGen C0432273, MONDO:0007764, OMIM 144750.
Exudative vitreoretinopathy 4 (EVR4). Identifiers: Orphanet 891, MedGen C1866176, MONDO:0011151, OMIM 601813.
Autosomal dominant osteopetrosis 1 (OPTA1). Also called: OSTEOPETROSIS, AUTOSOMAL DOMINANT, TYPE I. Identifiers: Orphanet 2783, MedGen C1843330, MONDO:0011877, OMIM 607634.
Bone mineral density quantitative trait locus 1 (BMND1). Identifiers: MedGen C1866079, OMIM 601884.
LRP5-related disorder. Also called: LRP5-related condition.

Allele frequency attached by ClinVar (database versions not stated): gnomAD exomes below 0.00001 and 0.00003; gnomAD 0.00001; TOPMed 0.00001.

Submissions (8):

Labcorp Genetics (formerly Invitae), Labcorp
Classification: Pathogenic. Last evaluated: 2025-07-03. Review status: criteria provided, single submitter. Criteria: Invitae Variant Classification Sherloc (09022015). Collection method: clinical testing. Allele origin: germline.
Comment: This sequence change creates a premature translational stop signal (p.Cys913Leufs*73) in the LRP5 gene. It is expected to result in an absent or disrupted protein product. Loss-of-function variants in LRP5 are known to be pathogenic (PMID: 11719191, 16252235, 25711638). This variant is present in population databases (no rsID available, gnomAD 0.0009%). This premature translational stop signal has been observed in individual(s) with autosomal dominant osteoporosis with familial exudative vitreoretinopathy and autosomal recessive osteoporosis pseudoglioma (PMID: 16252235, 25711638). ClinVar contains an entry for this variant (Variation ID: 287187). For these reasons, this variant has been classified as Pathogenic.

PreventionGenetics, part of Exact Sciences
Classification: Pathogenic for LRP5-related condition. Last evaluated: 2025-05-15. Review status: criteria provided, single submitter. Criteria: ACMG Guidelines, 2015. Collection method: clinical testing. Allele origin: germline.
Comment: The LRP5 c.2737dupT variant is predicted to result in a frameshift and premature protein termination (p.Cys913Leufs*73). This variant has been reported in the heterozygous state in multiple unrelated individuals with autosomal dominant juvenile-onset osteoporosis and/or familial exudative vitreoretinopathy (FEVR) (Hartikka et al. 2005. PubMed ID: 15824851; Salvo et al. 2015. PubMed ID: 25711638; Bardai et al. 2017. PubMed ID: 28378289; Cicerone et al. 2022. PubMed ID: 35328049; Table E4, Similuk et al. 2022. PubMed ID: 35753512 ; Tuncay et al. 2025. PubMed ID: 39903177). It has also been reported in the compound heterozygous state with a second LRP5 frameshift variant in an individual with autosomal recessive osteoporosis-pseudoglioma syndrome (Ai et al. 2005. PubMed ID: 16252235). An in vitro functional study in a mammalian cell line found that this variant led to a 47% reduction in Wnt3a signaling activity (Korvala et al. 2012. PubMed ID: 22487062). This variant is reported in 0.00088% of alleles in individuals of European (non-Finnish) descent in gnomAD. Frameshift variants in LRP5 are expected to be pathogenic. This variant is interpreted as pathogenic for autosomal dominant and autosomal recessive LRP5-related disorders.

Victorian Clinical Genetics Services, Murdoch Childrens Research Institute
Classification: Pathogenic for Osteoporosis with pseudoglioma. Last evaluated: 2024-10-09. Review status: criteria provided, single submitter. Criteria: ACMG Guidelines, 2015. Collection method: clinical testing. Allele origin: germline. Inheritance: Autosomal recessive inheritance.
Comment: Based on the classification scheme VCGS_Germline_v1.3.4, this variant is classified as Pathogenic. Following criteria are met: 0103 - Loss of function and gain of function are known mechanisms of disease in this gene and are associated with exudative vitreoretinopathy 4 (FEVR; MIM#601813) and osteoporosis-pseudoglioma syndrome (OPPG; MIM#259770); and autosomal dominant osteopetrosis (MIM#607634), respectively (PMID: 31827910, 23744590). (I) 0108 - This gene is associated with both recessive and dominant disease. Exudative vitreoretinopathy 4 (MIM#601813) can be both autosomal dominant or recessive and is considered to be part of the spectrum of autosomal recessive osteoporosis-pseudoglioma syndrome (MIM#259770). There is currently no clear genotype-phenotype correlation distinguishing these two conditions. Instead, the functional severity of the variant determines the phenotypic consequences (PMID: 31827910). Missense variants clustered within the first b-propeller extracellular domain are associated with autosomal dominant osteopetrosis (MIM#607634; PMID: 23744590). (I) 0115 - Variants in this gene are known to have variable expressivity. Intra-familial variability has been reported for gain of function variants (PMID 23744590) and FEVR (PMID: 25323851). Patients may appear asymptomatic for osteoporosis (PMID: 15824851). (I) 0201 - Variant is predicted to cause nonsense-mediated decay (NMD) and loss of protein (premature termination codon is located at least 54 nucleotides upstream of the final exon-exon junction). (SP) 0251 - This variant is heterozygous. (I) 0304 - Variant is present in gnomAD (v2) <0.01 for the condition (2 heterozygotes, 0 homozygotes). (SP) 0701 - Many other NMD variants comparable to the one identified in this case have very strong previous evidence for pathogenicity (DECIPHER). (SP) 0801 - This variant has strong previous evidence of pathogenicity in unrelated individuals. This variant has been classified as pathogenic by multiple clinical laboratories in ClinVar, and has been observed in individuals with FEVR, OPPG, and osteoporosis in the literature (PMIDs: 16252235, 25711638, 35328049, 15824851). (I) Legend: (SP) - Supporting pathogenic, (I) - Information, (SB) - Supporting benign

Fulgent Genetics
Classification: Pathogenic for Worth disease; Osteoporosis with pseudoglioma; Exudative vitreoretinopathy 4; Bone mineral density quantitative trait locus 1; Autosomal dominant osteopetrosis 1; Polycystic liver disease 4 with or without kidney cysts. Last evaluated: 2024-06-07. Review status: criteria provided, single submitter. Criteria: ACMG Guidelines, 2015. Collection method: clinical testing. Allele origin: germline.

GeneDx
Classification: Pathogenic. Last evaluated: 2023-05-27. Review status: criteria provided, single submitter. Criteria: GeneDx Variant Classification Process June 2021. Collection method: clinical testing. Allele origin: germline. Affected: yes.
Comment: Has been reported with a second pathogenic variant in a patient with pseudoglioma; however phase of the two variants was not determined in this study (Ai et al., 2005); Has also been reported as a single heterozygous variant in a patient with recurrent fractures, and in a second patient with a diagnosis of FEVR (Bardai et al., 2017; Salvo et al., 2015); Published functional studies suggest a damaging effect with this variant resulting in a protein with lower activity compared to wild-type protein (Korvala et al., 2012); Frameshift variant predicted to result in protein truncation or nonsense mediated decay in a gene for which loss-of-function is a known mechanism of disease; Not observed at a significant frequency in large population cohorts (gnomAD); This variant is associated with the following publications: (PMID: 28378289, 16252235, 22487062, 25711638, 35328049, 35753512)

Blueprint Genetics
Classification: Pathogenic for LRP5-related disorders. Last evaluated: 2020-04-09. Review status: criteria provided, single submitter. Criteria: ACMG Guidelines, 2015. Collection method: clinical testing. Allele origin: germline. Affected: yes. Observed: 5 variant alleles.

Molecular Diagnostics Laboratory, M Health Fairview: University of Minnesota
Classification: Pathogenic for Exudative vitreoretinopathy 4. Last evaluated: 2018-10-18. Review status: criteria provided, single submitter. Criteria: ACMG Guidelines, 2015. Collection method: clinical testing. Allele origin: germline. Affected: yes. Observed: 1 variant allele.

Eurofins Ntd Llc (ga)
Classification: Pathogenic. Last evaluated: 2016-04-27. Review status: criteria provided, single submitter. Criteria: EGL Classification Definitions. Collection method: clinical testing. Allele origin: germline. Observed: 1 variant allele, 1 homozygote.

Literature cited by the submitters: PubMed 11719191 (cited by Labcorp Genetics (formerly Invitae), Labcorp); PubMed 16252235 (cited by Labcorp Genetics (formerly Invitae), Labcorp and Victorian Clinical Genetics Services, Murdoch Childrens Research Institute); PubMed 25711638 (cited by Labcorp Genetics (formerly Invitae), Labcorp and Victorian Clinical Genetics Services, Murdoch Childrens Research Institute); PubMed 15824851 (cited by Victorian Clinical Genetics Services, Murdoch Childrens Research Institute); PubMed 23744590 (cited by Victorian Clinical Genetics Services, Murdoch Childrens Research Institute); PubMed 25323851 (cited by Victorian Clinical Genetics Services, Murdoch Childrens Research Institute); PubMed 31827910 (cited by Victorian Clinical Genetics Services, Murdoch Childrens Research Institute); PubMed 35328049 (cited by Victorian Clinical Genetics Services, Murdoch Childrens Research Institute).